The following is an entry in ClinVar:

NM_001130438.3(SPTAN1):c.5552C>T (p.Ala1851Val)

Gene: SPTAN1 (spectrin alpha, non-erythrocytic 1; plus strand). Cytogenetic location: 9q34.11.
Variant type: single nucleotide variant.
Coding change: c.5552C>T on transcript NM_001130438.3 (MANE Select); coding-DNA position 5552, C replaced by T.
Protein change: p.Ala1851Val; replaces alanine 1851 with valine.
Molecular consequence: missense variant.
Genome position (GRCh38, 1-based): chr9:128,618,060, C>T. VCF-style: chr9-128618060-C-T. GRCh37 (hg19) VCF-style: chr9-131380339-C-T.
Other names: p.A1851V:GCG>GTG; p.Ala1851Val; c.5477C>T, p.Ala1826Val (NM_001195532.2); c.5552C>T, p.Ala1851Val (NM_001363759.2); c.5492C>T, p.Ala1831Val (NM_001363765.2); c.5537C>T, p.Ala1846Val (NM_003127.4); short protein forms A1851V, A1826V, A1831V, A1846V.
Identifiers: ClinVar variation 139302 (VCV000139302.49), dbSNP rs11543347, ClinGen allele CA173582.

ClinVar aggregate classification (germline): Benign/Likely benign. Review status: criteria provided, multiple submitters, no conflicts (2 of 4 stars). 11 submissions from 11 submitters: Benign (9); Likely benign (1). 1 of the submissions does not count toward it. Last evaluated 2026-09-01.

Conditions:
SPTAN1-related disorder. Also called: SPTAN1-related condition; SPTAN1-related disorders.
Early-infantile DEE. Also called: Early infantile epileptic encephalopathy; Ohtahara syndrome; Early infantile epileptic encephalopathy with suppression bursts. Identifiers: Orphanet 1934, MedGen C0393706, MONDO:0800491.
Inborn genetic diseases. Identifiers: MedGen C0950123, MeSH D030342.
Developmental and epileptic encephalopathy, 5 (DEE5). Identifiers: Orphanet 3451, MedGen C3150731, MONDO:0013277, OMIM 613477.

Allele frequency attached by ClinVar (database versions not stated): 1000 Genomes Project 30x 0.00219; gnomAD 0.00335 and 0.00370; ESP Exome Variant Server 0.00384; TOPMed 0.00386.
gnomAD v4.1: 1,119 of 1,612,654 alleles (0.069%); highest among the groups gnomAD compares: African/African-American, 1.2%; 5 homozygotes.

Submissions (11):

CeGaT Center for Human Genetics Tuebingen
Classification: Likely benign. Last evaluated: 2026-09-01. Review status: criteria provided, single submitter. Criteria: CeGaT Center For Human Genetics Tuebingen Variant Classification Criteria Version 2. Collection method: clinical testing. Allele origin: germline. Affected: yes. Observed: 6 variant alleles.
Comment: SPTAN1: BS1

Labcorp Genetics (formerly Invitae), Labcorp
Classification: Benign for Early-infantile DEE. Last evaluated: 2026-02-02. Review status: criteria provided, single submitter. Criteria: Invitae Variant Classification Sherloc (09022015). Collection method: clinical testing. Allele origin: germline.

ARUP Laboratories, Molecular Genetics and Genomics, ARUP Laboratories
Classification: Benign. Last evaluated: 2025-01-22. Review status: criteria provided, single submitter. Criteria: ARUP Molecular Germline Variant Investigation Process 2024. Collection method: clinical testing. Allele origin: germline.

Blueprint Genetics
Classification: Benign. Last evaluated: 2024-05-06. Review status: criteria provided, single submitter. Criteria: ACMG Guidelines, 2015. Collection method: clinical testing. Allele origin: germline.

Athena Diagnostics
Classification: Benign. Last evaluated: 2023-11-02. Review status: criteria provided, single submitter. Criteria: Athena Diagnostics Criteria. Collection method: clinical testing. Allele origin: unknown.

Genome-Nilou Lab
Classification: Benign for Developmental and epileptic encephalopathy, 5. Last evaluated: 2021-07-15. Review status: criteria provided, single submitter. Criteria: ACMG Guidelines, 2015. Collection method: clinical testing. Allele origin: germline. Affected: no.

Mayo Clinic Laboratories, Mayo Clinic
Classification: Benign. Last evaluated: 2020-01-07. Review status: criteria provided, single submitter. Criteria: ACMG Guidelines, 2015. Collection method: clinical testing. Allele origin: germline. Observed: 3 variant alleles.

Ambry Genetics
Classification: Benign for Inborn genetic diseases. Last evaluated: 2016-09-13. Review status: criteria provided, single submitter. Criteria: Ambry Variant Classification Scheme 2023. Collection method: clinical testing. Allele origin: germline.

Genetic Services Laboratory, University of Chicago
Classification: Benign. Last evaluated: 2016-06-10. Review status: criteria provided, single submitter. Criteria: ACMG Guidelines, 2015. Collection method: clinical testing. Allele origin: germline. Affected: no.

GeneDx
Classification: Benign. Last evaluated: 2014-02-03. Review status: criteria provided, single submitter. Criteria: GeneDx Variant Classification (06012015). Collection method: clinical testing. Allele origin: germline. Affected: yes.
Comment: This variant is considered likely benign or benign based on one or more of the following criteria: it is a conservative change, it occurs at a poorly conserved position in the protein, it is predicted to be benign by multiple in silico algorithms, and/or has population frequency not consistent with disease.

PreventionGenetics, part of Exact Sciences
Classification: Benign for SPTAN1-related condition. Last evaluated: 2019-05-29. Review status: no assertion criteria provided. Collection method: clinical testing. Allele origin: germline. Not counted in ClinVar's aggregate classification.
Comment: This variant is classified as benign based on ACMG/AMP sequence variant interpretation guidelines (Richards et al. 2015 PMID: 25741868, with internal and published modifications).

Literature cited by the submitters: PubMed 27956632 (cited by Athena Diagnostics); PubMed 25961944 (cited by Athena Diagnostics).